The following is an entry in ClinVar:

ClinVar aggregate classification (germline): Conflicting classifications of pathogenicity. Review status: criteria provided, conflicting classifications (1 of 4 stars). 4 submissions from 4 submitters: Uncertain significance (1); Likely benign (2). 1 of the submissions does not count toward it. Last evaluated 2026-01-24.

Conditions:
SYNE4-related disorder. Also called: SYNE4-related condition.

Allele frequency attached by ClinVar (database versions not stated): gnomAD exomes 0.00017; ExAC 0.00022; ESP Exome Variant Server 0.00049; gnomAD 0.00063 and 0.00068; TOPMed 0.00069; 1000 Genomes Project 0.00140; 1000 Genomes Project 30x 0.00203.
gnomAD v4.1: 291 of 1,610,782 alleles (0.018%); highest among the groups gnomAD compares: African/African-American, 0.18%; 1 homozygote.

Submissions (4):

Labcorp Genetics (formerly Invitae), Labcorp
Classification: Likely benign. Last evaluated: 2026-01-24. Review status: criteria provided, single submitter. Criteria: Invitae Variant Classification Sherloc (09022015). Collection method: clinical testing. Allele origin: germline.

GeneDx
Classification: Likely benign. Last evaluated: 2020-04-06. Review status: criteria provided, single submitter. Criteria: GeneDx Variant Classification Process June 2021. Collection method: clinical testing. Allele origin: germline. Affected: yes.

Eurofins Ntd Llc (ga)
Classification: Uncertain significance. Last evaluated: 2017-10-12. Review status: criteria provided, single submitter. Criteria: EGL Classification Definitions 2015. Collection method: clinical testing. Allele origin: germline. Observed: 1 variant allele, 1 heterozygote.

PreventionGenetics, part of Exact Sciences
Classification: Likely benign for SYNE4-related condition. Last evaluated: 2024-06-03. Review status: no assertion criteria provided. Collection method: clinical testing. Allele origin: germline. Not counted in ClinVar's aggregate classification.
Comment: This variant is classified as likely benign based on ACMG/AMP sequence variant interpretation guidelines (Richards et al. 2015 PMID: 25741868, with internal and published modifications).

NM_001039876.3(SYNE4):c.243T>C (p.Ser81=)

Gene: SYNE4 (spectrin repeat containing nuclear envelope family member 4; minus strand). Cytogenetic location: 19q13.12.
Variant type: single nucleotide variant.
Coding change: c.243T>C on transcript NM_001039876.3 (MANE Select); coding-DNA position 243, T replaced by C.
Protein change: p.Ser81=; no amino-acid change (serine 81 retained).
Molecular consequence: synonymous variant.
Genome position (GRCh38, 1-based): chr19:36,008,253, A>G on the plus strand (T>C on the coding strand, the complement: SYNE4 is on the minus strand). VCF-style: chr19-36008253-A-G. GRCh37 (hg19) VCF-style: chr19-36499155-A-G.
Other names: c.243T>C, p.Ser81= (NM_001297735.3).
Identifiers: ClinVar variation 594209 (VCV000594209.17), dbSNP rs149158221, ClinGen allele CA9393989.